The following is an entry in ClinVar:

NM_014780.5(CUL7):c.3695G>A (p.Arg1232Gln)

Gene: CUL7 (cullin 7; minus strand). Cytogenetic location: 6p21.1.
Variant type: single nucleotide variant.
Coding change: c.3695G>A on transcript NM_014780.5 (MANE Select); coding-DNA position 3695, G replaced by A.
Protein change: p.Arg1232Gln; replaces arginine 1232 with glutamine.
Molecular consequence: missense variant.
Genome position (GRCh38, 1-based): chr6:43,041,026, C>T on the plus strand (G>A on the coding strand, the complement: CUL7 is on the minus strand). VCF-style: chr6-43041026-C-T. GRCh37 (hg19) VCF-style: chr6-43008764-C-T.
Other names: c.3791G>A, p.Arg1264Gln (NM_001168370.2, NM_001374872.1); c.3695G>A, p.Arg1232Gln (NM_001374873.1); c.3692G>A, p.Arg1231Gln (NM_001374874.1); short protein forms R1232Q, R1231Q, R1264Q.
Identifiers: ClinVar variation 281912 (VCV000281912.22), dbSNP rs36004037, ClinGen allele CA3813407.

ClinVar aggregate classification (germline): Benign/Likely benign. Review status: criteria provided, multiple submitters, no conflicts (2 of 4 stars). 5 submissions from 5 submitters: Benign (2); Likely benign (2). 1 of the submissions does not count toward it. Last evaluated 2026-05-21.

Conditions:
3M syndrome 1. Also called: 3-M Syndrome, CUL7-Related. Identifiers: Orphanet 2616, MedGen C2678312, MONDO:0010117, OMIM 273750.
CUL7-related disorder. Also called: CUL7-related condition.

Allele frequency attached by ClinVar (database versions not stated): gnomAD exomes 0.00137 and 0.00277; TOPMed 0.00164; ESP Exome Variant Server 0.00177; gnomAD 0.00089; ExAC 0.00200.
gnomAD v4.1: 2,420 of 1,613,856 alleles (0.15%); highest among the groups gnomAD compares: Middle Eastern, 0.049%; 48 homozygotes.

Submissions (5):

Women's Health and Genetics/Laboratory Corporation of America, LabCorp
Classification: Likely benign. Last evaluated: 2026-05-21. Review status: criteria provided, single submitter. Criteria: LabCorp Variant Classification Summary - May 2015. Collection method: clinical testing. Allele origin: germline.
Comment: Variant summary: CUL7 c.3695G>A (p.Arg1232Gln) results in a conservative amino acid change in the encoded protein sequence. Algorithms developed to predict the effect of missense changes on protein structure and function are either unavailable or do not agree on the potential impact of this missense change. The variant allele was found at a frequency of 0.0028 in 250760 control chromosomes in the gnomAD database, including 17 homozygotes. The observed variant frequency exceeds the estimated maximal expected allele frequency for disease-causing variants in CUL7. To our knowledge, no occurrence of c.3695G>A in individuals affected with CUL7-related conditions and no experimental evidence demonstrating its impact on protein function have been reported. ClinVar contains an entry for this variant (Variation ID: 281912). Based on the evidence outlined above, the variant was classified as likely benign.

Labcorp Genetics (formerly Invitae), Labcorp
Classification: Benign. Last evaluated: 2026-01-28. Review status: criteria provided, single submitter. Criteria: Invitae Variant Classification Sherloc (09022015). Collection method: clinical testing. Allele origin: germline.

Illumina Laboratory Services, Illumina
Classification: Likely benign for 3M syndrome 1. Last evaluated: 2018-01-12. Review status: criteria provided, single submitter. Criteria: ICSL Variant Classification Criteria 13 December 2019. Collection method: clinical testing. Allele origin: germline.
Comment: This variant was observed in the ICSL laboratory as part of a predisposition screen in an ostensibly healthy population. It had not been previously curated by ICSL or reported in the Human Gene Mutation Database (HGMD: prior to June 1st, 2018), and was therefore a candidate for classification through an automated scoring system. Utilizing variant allele frequency, disease prevalence and penetrance estimates, and inheritance mode, an automated score was calculated to assess if this variant is too frequent to cause the disease. Based on the score and internal cut-off values, a variant classified as likely benign is not then subjected to further curation. The score for this variant resulted in a classification of likely benign for this disease.

Eurofins Ntd Llc (ga)
Classification: Benign. Last evaluated: 2015-07-17. Review status: criteria provided, single submitter. Criteria: EGL Classification Definitions 2015. Collection method: clinical testing. Allele origin: germline. Observed: 1 variant allele, 1 heterozygote.

PreventionGenetics, part of Exact Sciences
Classification: Benign for CUL7-related condition. Last evaluated: 2019-08-16. Review status: no assertion criteria provided. Collection method: clinical testing. Allele origin: germline. Not counted in ClinVar's aggregate classification.
Comment: This variant is classified as benign based on ACMG/AMP sequence variant interpretation guidelines (Richards et al. 2015 PMID: 25741868, with internal and published modifications).